The following is an entry in ClinVar:

ClinVar aggregate classification (germline): Likely pathogenic (1 of 4 stars; one submission).

Conditions:
Childhood-onset schizophrenia. Also called: Childhood schizophrenia. Identifiers: Orphanet 641496, MedGen C0036346, MONDO:0957430.

Submission:

Dr. Guy Rouleau's laboratory, McGill University
Classification: Likely pathogenic for Childhood Onset Schizophrenia. Last evaluated: 2014-01-01. Review status: criteria provided, single submitter. Criteria: Submitter's publication. Collection method: research. Allele origin: de novo. Affected: yes. Observed: 1 variant allele.
Comment: Identified by next generation sequencing and validated by Sanger sequencing

NM_000210.4(ITGA6):c.*91AGA[1]

Genes: ITGA6 (integrin subunit alpha 6; plus strand), PDK1-AS1 (PDK1 and ITGA6 antisense RNA 1; minus strand). Cytogenetic location: 2q31.1.
Variant type: Microsatellite.
Coding change: c.*91AGA[1] on transcript NM_000210.4 (MANE Select); one copy of the 3-base unit AGA starting at c.*91; the reference has two copies in a row; one copy, 3 bases deleted.
Molecular consequence: 3 prime UTR variant. On other transcripts: inframe deletion (2).
Genome position (GRCh38, 1-based): chr2:172,504,162-172,504,164, AGA deleted; deleting any 3 consecutive bases within chr2:172,504,158-172,504,164 gives the same sequence; the position shown is the placement nearest the transcript's 3' end. VCF-style (leftmost placement, unchanged base first): chr2-172504157-AAAG-A. GRCh37 (hg19) VCF-style: chr2-173368885-AAAG-A.
Other names: c.3183AGA[1], p.Glu1063del (NM_001079818.3); c.*91AGA[1] (NM_001316306.2, NM_001365530.2); c.3138AGA[1], p.Glu1048del (NM_001365529.2); short protein forms E1063del, E1048del.
Identifiers: ClinVar variation 208387 (VCV000208387.3), dbSNP rs863223349, ClinGen allele CA279845.
Genomic context (GRCh38, chr2:172,504,157, plus strand): 5'-TTCTTTAAACGCTCTAGGTACGATGACAGTGTTCCCCGATACCATGCTGTAAGGATCCGG[AAAG>A]AAGAGCGAGAGATCAAAGATGAAAAGTATATTGATAACCTTGAAAAAAAACAGTGGATCA-3'